The following is an entry in ClinVar:

NM_000540.3(RYR1):c.3343G>C (p.Gly1115Arg)

Gene: RYR1 (ryanodine receptor 1; plus strand). Cytogenetic location: 19q13.2.
Variant type: single nucleotide variant.
Coding change: c.3343G>C on transcript NM_000540.3 (MANE Select); coding-DNA position 3343, G replaced by C.
Protein change: p.Gly1115Arg; replaces glycine 1115 with arginine.
Molecular consequence: missense variant.
Genome position (GRCh38, 1-based): chr19:38,467,774, G>C. VCF-style: chr19-38467774-G-C. GRCh37 (hg19) VCF-style: chr19-38958414-G-C.
Other names: c.3343G>C, p.Gly1115Arg (NM_001042723.2); short protein forms G1115R.
Identifiers: ClinVar variation 864797 (VCV000864797.36), dbSNP rs775927793, ClinGen allele CA405637408.

ClinVar aggregate classification (germline): Uncertain significance. Review status: criteria provided, multiple submitters, no conflicts (2 of 4 stars). 4 submissions from 4 submitters: Uncertain significance (4). Last evaluated 2025-06-16.

Conditions:
RYR1-related disorder. Also called: RYR1-related condition; RYR1-related disorders. Identifiers: MedGen CN239331.
Inborn genetic diseases. Identifiers: MedGen C0950123, MeSH D030342.
Malignant hyperthermia, susceptibility to, 1 (MHS1). Also called: RYR1-Related Malignant Hyperthermia Susceptibility; Anesthesia related hyperthermia; Malignant hyperpyrexia; Fulminating hyperpyrexia; Pharmacogenic myopathy; Malignant hyperthermia suceptibility 1. Identifiers: Orphanet 423, MedGen C2930980, MONDO:0007783, OMIM 145600.

gnomAD v4.1: 8 of 1,614,176 alleles (0.0005%); highest among the groups gnomAD compares: Non-Finnish European, 0.00051%; no homozygotes.

Submissions (4):

Ambry Genetics
Classification: Uncertain significance for Inborn genetic diseases. Last evaluated: 2025-06-16. Review status: criteria provided, single submitter. Criteria: Ambry Variant Classification Scheme 2023. Collection method: clinical testing. Allele origin: germline.

Color Diagnostics, LLC DBA Color Health
Classification: Uncertain significance for Malignant hyperthermia, susceptibility to, 1. Last evaluated: 2023-06-20. Review status: criteria provided, single submitter. Criteria: ACMG Guidelines, 2015. Collection method: clinical testing. Allele origin: germline.
Comment: This missense variant replaces glycine with arginine at codon 1115 of the RYR1 protein. Computational prediction suggests that this variant may have deleterious impact on protein structure and function (internally defined REVEL score threshold >= 0.7, PMID: 27666373). To our knowledge, functional studies have not been reported for this variant. This variant has not been reported in individuals affected with RYR1-related disorders in the literature. This variant has not been identified in the general population by the Genome Aggregation Database (gnomAD). The available evidence is insufficient to determine the role of this variant in disease conclusively. Therefore, this variant is classified as a Variant of Uncertain Significance.

CeGaT Center for Human Genetics Tuebingen
Classification: Uncertain significance. Last evaluated: 2023-01-01. Review status: criteria provided, single submitter. Criteria: CeGaT Center For Human Genetics Tuebingen Variant Classification Criteria Version 2. Collection method: clinical testing. Allele origin: germline. Affected: yes. Observed: 1 variant allele.
Comment: RYR1: PM2, PP3

Labcorp Genetics (formerly Invitae), Labcorp
Classification: Uncertain significance for RYR1-related disorder. Last evaluated: 2022-06-13. Review status: criteria provided, single submitter. Criteria: Invitae Variant Classification Sherloc (09022015). Collection method: clinical testing. Allele origin: germline.
Comment: This sequence change replaces glycine, which is neutral and non-polar, with arginine, which is basic and polar, at codon 1115 of the RYR1 protein (p.Gly1115Arg). This variant is not present in population databases (gnomAD no frequency). This missense change has been observed in individual(s) with clinical features of RYR1-related conditions (Invitae). ClinVar contains an entry for this variant (Variation ID: 864797). Advanced modeling of protein sequence and biophysical properties (such as structural, functional, and spatial information, amino acid conservation, physicochemical variation, residue mobility, and thermodynamic stability) performed at Invitae indicates that this missense variant is expected to disrupt RYR1 protein function. In summary, the available evidence is currently insufficient to determine the role of this variant in disease. Therefore, it has been classified as a Variant of Uncertain Significance.